The following is an entry in ClinVar:

NM_000038.6(APC):c.7644A>G (p.Lys2548=)

Gene: APC (APC regulator of Wnt signaling pathway; plus strand). Cytogenetic location: 5q22.2.
Variant type: single nucleotide variant.
Coding change: c.7644A>G on transcript NM_000038.6 (MANE Select); coding-DNA position 7644, A replaced by G.
Protein change: p.Lys2548=; no amino-acid change (lysine 2548 retained).
Molecular consequence: synonymous variant.
Genome position (GRCh38, 1-based): chr5:112,843,238, A>G. VCF-style: chr5-112843238-A-G. GRCh37 (hg19) VCF-style: chr5-112178935-A-G.
Other names: c.7644A>G, p.Lys2548= (NM_001127510.3, NM_001354895.2); c.7590A>G, p.Lys2530= (NM_001127511.3); c.7698A>G, p.Lys2566= (NM_001354896.2); c.7674A>G, p.Lys2558= (NM_001354897.2); c.7569A>G, p.Lys2523= (NM_001354898.2); c.7560A>G, p.Lys2520= (NM_001354899.2); c.7521A>G, p.Lys2507= (NM_001354900.2); c.7467A>G, p.Lys2489= (NM_001354901.2); and 5 more.
Identifiers: ClinVar variation 628206 (VCV000628206.51), dbSNP rs1210531698, ClinGen allele CA446211107.
Genomic context (GRCh38, chr5:112,843,238, plus strand): 5'-TGCACGGTCTCATTCTGAAAGTCCTTCTAGACTTCCAATCAATAGGTCAGGAACCTGGAA[A>G]CGTGAGCACAGCAAACATTCATCATCCCTTCCTCGAGTAAGCACTTGGAGAAGAACTGGA-3'
Protein context (NP_000029.2, residues 2538-2558): RLPINRSGTW[Lys2548=]REHSKHSSSL

ClinVar aggregate classification (germline): Benign/Likely benign. Review status: criteria provided, multiple submitters, no conflicts (2 of 4 stars). 4 submissions from 4 submitters: Benign (1); Likely benign (3). Last evaluated 2024-04-10.

Conditions:
Hereditary cancer-predisposing syndrome. Also called: Neoplastic Syndromes, Hereditary; Tumor predisposition; Hereditary neoplastic syndrome; Hereditary Cancer Syndrome. Identifiers: Orphanet 140162, MedGen C0027672, MeSH D009386, MONDO:0015356.
Familial adenomatous polyposis 1 (FAP1). Also called: POLYPOSIS, ADENOMATOUS INTESTINAL; FAMILIAL ADENOMATOUS POLYPOSIS 1, ATTENUATED. Identifiers: MedGen C2713442, MONDO:0021056, OMIM 175100. Disease mechanism: loss of function.

gnomAD v4.1: 5 of 1,613,944 alleles (0.00031%); highest among the groups gnomAD compares: Admixed American, 0.0017%; no homozygotes.

Submissions (4):

Myriad Genetics, Inc.
Classification: Benign for Familial adenomatous polyposis 1. Last evaluated: 2024-04-10. Review status: criteria provided, single submitter. Criteria: Myriad Autosomal Dominant, Autosomal Recessive and X-Linked Classification Criteria (2023). Collection method: clinical testing. Allele origin: unknown.
Comment: This variant is considered benign. This variant is a silent/synonymous amino acid change and it is not expected to impact splicing.

Labcorp Genetics (formerly Invitae), Labcorp
Classification: Likely benign for Familial adenomatous polyposis 1. Last evaluated: 2024-04-08. Review status: criteria provided, single submitter. Criteria: Invitae Variant Classification Sherloc (09022015). Collection method: clinical testing. Allele origin: germline.

Ambry Genetics
Classification: Likely benign for Hereditary cancer-predisposing syndrome. Last evaluated: 2019-12-17. Review status: criteria provided, single submitter. Criteria: Ambry Variant Classification Scheme 2023. Collection method: clinical testing. Allele origin: germline.

Color Diagnostics, LLC DBA Color Health
Classification: Likely benign for Hereditary cancer-predisposing syndrome. Last evaluated: 2018-04-17. Review status: criteria provided, single submitter. Criteria: ACMG Guidelines, 2015. Collection method: clinical testing. Allele origin: germline.